The following is an entry in ClinVar:

ClinVar aggregate classification (germline): Likely benign (0 of 4 stars; one submission).

Conditions:
CRISPLD2-related disorder. Also called: CRISPLD2-related condition.

Allele frequency attached by ClinVar (database versions not stated): 1000 Genomes Project 0.00040; 1000 Genomes Project 30x 0.00062; TOPMed 0.00076; gnomAD 0.00100; ESP Exome Variant Server 0.00146.
gnomAD v4.1: 1,770 of 1,613,082 alleles (0.11%); highest among the groups gnomAD compares: Middle Eastern, 0.13%; 3 homozygotes.

Submission:

PreventionGenetics, part of Exact Sciences
Classification: Likely benign for CRISPLD2-related condition. Last evaluated: 2019-07-16. Review status: no assertion criteria provided. Collection method: clinical testing. Allele origin: germline.
Comment: This variant is classified as likely benign based on ACMG/AMP sequence variant interpretation guidelines (Richards et al. 2015 PMID: 25741868, with internal and published modifications).

NM_031476.4(CRISPLD2):c.366C>T (p.Arg122=)

Gene: CRISPLD2 (cysteine rich secretory protein LCCL domain containing 2; plus strand). Cytogenetic location: 16q24.1.
Variant type: single nucleotide variant.
Coding change: c.366C>T on transcript NM_031476.4 (MANE Select); coding-DNA position 366, C replaced by T.
Protein change: p.Arg122=; no amino-acid change (arginine 122 retained).
Molecular consequence: synonymous variant.
Genome position (GRCh38, 1-based): chr16:84,849,391, C>T. VCF-style: chr16-84849391-C-T. GRCh37 (hg19) VCF-style: chr16-84882997-C-T.
Identifiers: ClinVar variation 3049850 (VCV003049850.2), dbSNP rs138518275, ClinGen allele CA8211494.